The following is an entry in ClinVar:

NM_032043.3(BRIP1):c.257G>A (p.Cys86Tyr)

Gene: BRIP1 (BRCA1 interacting DNA helicase 1; minus strand). Cytogenetic location: 17q23.2.
Variant type: single nucleotide variant.
Coding change: c.257G>A on transcript NM_032043.3 (MANE Select); coding-DNA position 257, G replaced by A.
Protein change: p.Cys86Tyr; replaces cysteine 86 with tyrosine.
Molecular consequence: missense variant.
Genome position (GRCh38, 1-based): chr17:61,857,180, C>T on the plus strand (G>A on the coding strand, the complement: BRIP1 is on the minus strand). VCF-style: chr17-61857180-C-T. GRCh37 (hg19) VCF-style: chr17-59934541-C-T.
Other names: short protein forms C86Y.
Identifiers: ClinVar variation 821515 (VCV000821515.5), dbSNP rs1323005329, ClinGen allele CA400485519.

ClinVar aggregate classification (germline): Uncertain significance. Review status: criteria provided, multiple submitters, no conflicts (2 of 4 stars). 2 submissions from 2 submitters: Uncertain significance (2). Last evaluated 2025-02-23.

Conditions:
Familial cancer of breast. Also called: Hereditary breast cancer; hereditary breast carcinoma; BREAST CANCER, FAMILIAL. Identifiers: Orphanet 227535, MedGen C0346153, MONDO:0016419, OMIM 114480. Disease mechanism: loss of function.
Fanconi anemia complementation group J. Also called: BRIP1-Related Fanconi Anemia. Identifiers: Orphanet 84, MedGen C1836860, MONDO:0012187, OMIM 609054.
Hereditary cancer-predisposing syndrome. Also called: Hereditary Cancer Syndrome; Neoplastic Syndromes, Hereditary; Hereditary neoplastic syndrome; Tumor predisposition. Identifiers: Orphanet 140162, MedGen C0027672, MeSH D009386, MONDO:0015356.

Allele frequency attached by ClinVar (database versions not stated): gnomAD 0.00001.
gnomAD v4.1: 1 of 1,613,984 alleles (0.000062%); no homozygotes.

Submissions (2):

Labcorp Genetics (formerly Invitae), Labcorp
Classification: Uncertain significance for Familial cancer of breast; Fanconi anemia complementation group J. Last evaluated: 2025-02-23. Review status: criteria provided, single submitter. Criteria: Invitae Variant Classification Sherloc (09022015). Collection method: clinical testing. Allele origin: germline.
Comment: This sequence change replaces cysteine, which is neutral and slightly polar, with tyrosine, which is neutral and polar, at codon 86 of the BRIP1 protein (p.Cys86Tyr). This variant is present in population databases (no rsID available, gnomAD 0.03%). This variant has not been reported in the literature in individuals affected with BRIP1-related conditions. ClinVar contains an entry for this variant (Variation ID: 821515). Invitae Evidence Modeling of protein sequence and biophysical properties (such as structural, functional, and spatial information, amino acid conservation, physicochemical variation, residue mobility, and thermodynamic stability) has been performed for this missense variant. However, the output from this modeling did not meet the statistical confidence thresholds required to predict the impact of this variant on BRIP1 protein function. In summary, the available evidence is currently insufficient to determine the role of this variant in disease. Therefore, it has been classified as a Variant of Uncertain Significance.

Ambry Genetics
Classification: Uncertain significance for Hereditary cancer-predisposing syndrome. Last evaluated: 2019-07-18. Review status: criteria provided, single submitter. Criteria: Ambry Variant Classification Scheme 2023. Collection method: clinical testing. Allele origin: germline.
Comment: The p.C86Y variant (also known as c.257G>A), located in coding exon 3 of the BRIP1 gene, results from a G to A substitution at nucleotide position 257. The cysteine at codon 86 is replaced by tyrosine, an amino acid with highly dissimilar properties. This amino acid position is highly conserved in available vertebrate species. In addition, the in silico prediction for this alteration is inconclusive. Since supporting evidence is limited at this time, the clinical significance of this alteration remains unclear.